The following is an entry in ClinVar:

NM_003482.4(KMT2D):c.9021A>T (p.Glu3007Asp)

Gene: KMT2D (lysine methyltransferase 2D; minus strand). Cytogenetic location: 12q13.12.
Variant type: single nucleotide variant.
Coding change: c.9021A>T on transcript NM_003482.4 (MANE Select); coding-DNA position 9021, A replaced by T.
Protein change: p.Glu3007Asp; replaces glutamic acid 3007 with aspartic acid.
Molecular consequence: missense variant.
Genome position (GRCh38, 1-based): chr12:49,038,335, T>A on the plus strand (A>T on the coding strand, the complement: KMT2D is on the minus strand). VCF-style: chr12-49038335-T-A. GRCh37 (hg19) VCF-style: chr12-49432118-T-A.
Other names: short protein forms E3007D.
Identifiers: ClinVar variation 3682931 (VCV003682931.2).
Genomic context (GRCh38, chr12:49,038,335, plus strand): 5'-GGTGCCAAGTTCATCATCACCCTTGGCCACATCCACACCCAGACCCAGGTGAGCAAGCTC[T>A]TCATCATCCTCTAGGGCCTTGTGGGCATCAAAATCGTCATCCAGCTCGGGATCCTCACAG-3'
Protein context (NP_003473.3, residues 2997-3017): FDAHKALEDD[Glu3007Asp]ELAHLGLGVD

ClinVar aggregate classification (germline): Uncertain significance (1 of 4 stars; one submission).

Conditions:
Kabuki syndrome. Also called: NIIKAWA-KUROKI SYNDROME; Kabuki make-up syndrome. Identifiers: Orphanet 2322, MedGen C0796004, MONDO:0016512.

gnomAD v4.1: 1 of 1,613,868 alleles (0.000062%); highest among the groups gnomAD compares: African/African-American, 0.0013%; no homozygotes.

Submission:

Labcorp Genetics (formerly Invitae), Labcorp
Classification: Uncertain significance for Kabuki syndrome. Last evaluated: 2025-11-04. Review status: criteria provided, single submitter. Criteria: Invitae Variant Classification Sherloc (09022015). Collection method: clinical testing. Allele origin: germline.
Comment: This sequence change replaces glutamic acid, which is acidic and polar, with aspartic acid, which is acidic and polar, at codon 3007 of the KMT2D protein (p.Glu3007Asp). This variant is not present in population databases (gnomAD no frequency). This variant has not been reported in the literature in individuals affected with KMT2D-related conditions. ClinVar contains an entry for this variant (Variation ID: 3682931). Invitae Evidence Modeling of protein sequence and biophysical properties (such as structural, functional, and spatial information, amino acid conservation, physicochemical variation, residue mobility, and thermodynamic stability) indicates that this missense variant is not expected to disrupt KMT2D protein function with a negative predictive value of 95%. In summary, the available evidence is currently insufficient to determine the role of this variant in disease. Therefore, it has been classified as a Variant of Uncertain Significance.